The following is an entry in ClinVar:

ClinVar aggregate classification (germline): Likely benign (1 of 4 stars; one submission).

Allele frequency attached by ClinVar (database versions not stated): gnomAD exomes 0.00001 and 0.00002; ExAC 0.00003; gnomAD 0.00004 and 0.00005; 1000 Genomes Project 0.00020; 1000 Genomes Project 30x 0.00031.
gnomAD v4.1: 22 of 1,612,126 alleles (0.0014%); highest among the groups gnomAD compares: Admixed American, 0.012%; no homozygotes.

Submission:

CeGaT Center for Human Genetics Tuebingen
Classification: Likely benign. Last evaluated: 2025-12-01. Review status: criteria provided, single submitter. Criteria: CeGaT Center For Human Genetics Tuebingen Variant Classification Criteria Version 2. Collection method: clinical testing. Allele origin: germline. Affected: yes. Observed: 2 variant alleles.
Comment: GEMIN4: BP4, BP7

NM_015721.3(GEMIN4):c.2478C>T (p.Ser826=)

Gene: GEMIN4 (gem nuclear organelle associated protein 4; minus strand). Cytogenetic location: 17p13.3.
Variant type: single nucleotide variant.
Coding change: c.2478C>T on transcript NM_015721.3 (MANE Select); coding-DNA position 2478, C replaced by T.
Protein change: p.Ser826=; no amino-acid change (serine 826 retained).
Molecular consequence: synonymous variant.
Genome position (GRCh38, 1-based): chr17:745,565, G>A on the plus strand (C>T on the coding strand, the complement: GEMIN4 is on the minus strand). VCF-style: chr17-745565-G-A. GRCh37 (hg19) VCF-style: chr17-648805-G-A.
Identifiers: ClinVar variation 1335238 (VCV001335238.35), dbSNP rs201198950, ClinGen allele CA8262409.
Genomic context (GRCh38, chr17:745,565, plus strand): 5'-GACCTCCTCAGGATTGCCCACGTCCACCACCAAGAGAGACAGCATCCTCTCCGAGATGCC[G>A]CTGGAGACGCAGCAGCACTCCATCCAGGCCAGGAGCCCCGTGCCAGCCCCGTACCCTGGG-3'
Protein context (NP_056536.2, residues 816-836): LAWMECCCVS[Ser826=]GISERMLSLL